The following is an entry in ClinVar:

ClinVar aggregate classification (germline): Likely benign (1 of 4 stars; one submission).

Conditions:
Neurofibromatosis, type 1 (NF1). Also called: VON RECKLINGHAUSEN DISEASE; NEUROFIBROMATOSIS, TYPE I, SOMATIC; Peripheral type neurofibromatosis; Neurofibromatosis, type I. Identifiers: Orphanet 636, MedGen C0027831, MONDO:0018975, OMIM 162200. Disease mechanism: loss of function.

Submission:

Myriad Genetics, Inc.
Classification: Likely benign for Neurofibromatosis, type 1. Last evaluated: 2026-05-13. Review status: criteria provided, single submitter. Criteria: Myriad Autosomal Dominant, Autosomal Recessive and X-Linked Classification Criteria (2023). Collection method: clinical testing. Allele origin: unknown.
Comment: This variant is considered likely benign. This variant is intronic and is not expected to impact mRNA splicing.

NM_001042492.3(NF1):c.6148-16dup

Gene: NF1 (neurofibromin 1; plus strand). Cytogenetic location: 17q11.2.
Variant type: Duplication.
Coding change: c.6148-16dup on transcript NM_001042492.3 (MANE Select); 16 bases into the intron before coding-DNA position 6148, one base duplicated (T; older notation c.6148-16dupT).
Molecular consequence: intron variant.
Genome position (GRCh38, 1-based): chr17:31,336,619, T duplicated. VCF-style (leftmost placement, unchanged base first): chr17-31336618-A-AT. GRCh37 (hg19) VCF-style: chr17-29663636-A-AT.
Other names: c.6085-16dup (NM_000267.4).
Identifiers: ClinVar variation 4876176 (VCV004876176.1).